The following is an entry in ClinVar:

NM_001363711.2(DUOX2):c.3449A>G (p.Tyr1150Cys)

Gene: DUOX2 (dual oxidase 2; minus strand). Cytogenetic location: 15q21.1.
Variant type: single nucleotide variant.
Coding change: c.3449A>G on transcript NM_001363711.2 (MANE Select); coding-DNA position 3449, A replaced by G.
Protein change: p.Tyr1150Cys; replaces tyrosine 1150 with cysteine.
Molecular consequence: missense variant.
Genome position (GRCh38, 1-based): chr15:45,099,449, T>C on the plus strand (A>G on the coding strand, the complement: DUOX2 is on the minus strand). VCF-style: chr15-45099449-T-C. GRCh37 (hg19) VCF-style: chr15-45391647-T-C.
Other names: c.3449A>G, p.Tyr1150Cys (NM_014080.5); short protein forms Y1150C.
Identifiers: ClinVar variation 548005 (VCV000548005.16), dbSNP rs200000982, ClinGen allele CA7537864.

ClinVar aggregate classification (germline): Uncertain significance. Review status: criteria provided, multiple submitters, no conflicts (2 of 4 stars). 3 submissions from 3 submitters: Uncertain significance (3). Last evaluated 2026-01-02.

Conditions:
Thyroid dyshormonogenesis 6 (TDH6). Also called: HYPOTHYROIDISM, CONGENITAL, DUE TO DYSHORMONOGENESIS, 6; THYROID HORMONOGENESIS, GENETIC DEFECT IN, 6; Genetic transient congenital hypothyroidism. Identifiers: Orphanet 226316, Orphanet 95716, MedGen C1846632, MONDO:0011792, OMIM 607200.

Allele frequency attached by ClinVar (database versions not stated): gnomAD 0.00005 and 0.00006; gnomAD exomes 0.00006 and 0.00008; ExAC 0.00008; TOPMed 0.00011.

Submissions (3):

Labcorp Genetics (formerly Invitae), Labcorp
Classification: Uncertain significance. Last evaluated: 2026-01-02. Review status: criteria provided, single submitter. Criteria: Invitae Variant Classification Sherloc (09022015). Collection method: clinical testing. Allele origin: germline.
Comment: This sequence change replaces tyrosine, which is neutral and polar, with cysteine, which is neutral and slightly polar, at codon 1150 of the DUOX2 protein (p.Tyr1150Cys). This variant is present in population databases (rs200000982, gnomAD 0.01%). This missense change has been observed in individual(s) with hypothyroidism (PMID: 21565790, 28648510). ClinVar contains an entry for this variant (Variation ID: 548005). Invitae Evidence Modeling of protein sequence and biophysical properties (such as structural, functional, and spatial information, amino acid conservation, physicochemical variation, residue mobility, and thermodynamic stability) indicates that this missense variant is expected to disrupt DUOX2 protein function with a positive predictive value of 80%. Experimental studies have shown that this missense change affects DUOX2 function (PMID: 21565790). In summary, the available evidence is currently insufficient to determine the role of this variant in disease. Therefore, it has been classified as a Variant of Uncertain Significance.

CeGaT Center for Human Genetics Tuebingen
Classification: Uncertain significance. Last evaluated: 2025-10-01. Review status: criteria provided, single submitter. Criteria: CeGaT Center For Human Genetics Tuebingen Variant Classification Criteria Version 2. Collection method: clinical testing. Allele origin: germline. Affected: yes. Observed: 1 variant allele.
Comment: DUOX2: PM2, PS3:Supporting

Mayo Clinic Laboratories, Mayo Clinic
Classification: Uncertain significance for Thyroid dyshormonogenesis 6. Last evaluated: 2017-11-07. Review status: criteria provided, single submitter. Criteria: ACMG Guidelines, 2015. Collection method: clinical testing. Allele origin: maternal.

Literature cited by the submitters: PubMed 21565790 (cited by Labcorp Genetics (formerly Invitae), Labcorp); PubMed 28648510 (cited by Labcorp Genetics (formerly Invitae), Labcorp).